The following is an entry in ClinVar:

ClinVar aggregate classification (germline): Conflicting classifications of pathogenicity. Review status: criteria provided, conflicting classifications (1 of 4 stars). 4 submissions from 4 submitters: Likely pathogenic (1); Uncertain significance (3). Last evaluated 2024-11-03.

Conditions:
Mucopolysaccharidosis, MPS-III-A (MPS3A). Also called: Mucopolysaccharidosis, type IIIA; mucopolysaccharidosis type 3A; MPS IIIA (Sanfilippo Syndrome Type A); HEPARAN SULFATE SULFATASE DEFICIENCY; Mucopolysaccharidosis type IIIA (Sanfilippo A); SANFILIPPO SYNDROME A. Identifiers: Orphanet 581, Orphanet 79269, MedGen C0086647, MONDO:0009655, OMIM 252900.

Allele frequency attached by ClinVar (database versions not stated): gnomAD 0.00001; TOPMed 0.00001; gnomAD exomes 0.00002 and 0.00003; ESP Exome Variant Server 0.00008; ExAC 0.00003.
gnomAD v4.1: 28 of 1,612,764 alleles (0.0017%); highest among the groups gnomAD compares: Middle Eastern, 0.016%; no homozygotes.

Submissions (4):

Labcorp Genetics (formerly Invitae), Labcorp
Classification: Uncertain significance for Mucopolysaccharidosis, MPS-III-A. Last evaluated: 2024-11-03. Review status: criteria provided, single submitter. Criteria: Invitae Variant Classification Sherloc (09022015). Collection method: clinical testing. Allele origin: germline.
Comment: This sequence change replaces valine, which is neutral and non-polar, with methionine, which is neutral and non-polar, at codon 131 of the SGSH protein (p.Val131Met). This variant is present in population databases (rs370636303, gnomAD 0.006%). This missense change has been observed in individual(s) with Sanfilippo syndrome (PMID: 9285796). ClinVar contains an entry for this variant (Variation ID: 1372507). Invitae Evidence Modeling of protein sequence and biophysical properties (such as structural, functional, and spatial information, amino acid conservation, physicochemical variation, residue mobility, and thermodynamic stability) indicates that this missense variant is expected to disrupt SGSH protein function with a positive predictive value of 95%. In summary, the available evidence is currently insufficient to determine the role of this variant in disease. Therefore, it has been classified as a Variant of Uncertain Significance.

Blueprint Genetics
Classification: Uncertain significance. Last evaluated: 2024-08-16. Review status: criteria provided, single submitter. Criteria: ACMG Guidelines, 2015. Collection method: clinical testing. Allele origin: germline.

Fulgent Genetics
Classification: Likely pathogenic for Mucopolysaccharidosis, MPS-III-A. Last evaluated: 2024-02-01. Review status: criteria provided, single submitter. Criteria: ACMG Guidelines, 2015. Collection method: clinical testing. Allele origin: germline.

Women's Health and Genetics/Laboratory Corporation of America, LabCorp
Classification: Uncertain significance. Last evaluated: 2024-01-11. Review status: criteria provided, single submitter. Criteria: LabCorp Variant Classification Summary - May 2015. Collection method: clinical testing. Allele origin: germline.
Comment: Variant summary: SGSH c.391G>A (p.Val131Met) results in a conservative amino acid change located in the Sulfatase, N-terminal domain (IPR000917) of the encoded protein sequence. Three of five in-silico tools predict a damaging effect of the variant on protein function. The variant allele was found at a frequency of 2.8e-05 in 250330 control chromosomes (gnomAD and publication data). The available data on variant occurrences in the general population are insufficient to allow any conclusion about variant significance. c.391G>A has been reported in the literature in one individual affected with Mucopolysaccharidosis Type IIIA (Sanfilippo Syndrome A) (Weber_1997). These data do not allow any conclusion about variant significance. To our knowledge, no experimental evidence demonstrating an impact on protein function has been reported. The following publications have been ascertained in the context of this evaluation (PMID: 21228398, 9554748, 9744479, 24816101, 25807448, 9285796, 18254660, 11668611). ClinVar contains an entry for this variant (Variation ID: 1372507). Based on the evidence outlined above, the variant was classified as uncertain significance.

Literature cited by the submitters: PubMed 9285796 (cited by Labcorp Genetics (formerly Invitae), Labcorp and Women's Health and Genetics/Laboratory Corporation of America, LabCorp); PubMed 21228398 (cited by Women's Health and Genetics/Laboratory Corporation of America, LabCorp); PubMed 9554748 (cited by Women's Health and Genetics/Laboratory Corporation of America, LabCorp); PubMed 9744479 (cited by Women's Health and Genetics/Laboratory Corporation of America, LabCorp); PubMed 24816101 (cited by Women's Health and Genetics/Laboratory Corporation of America, LabCorp); PubMed 25807448 (cited by Women's Health and Genetics/Laboratory Corporation of America, LabCorp); PubMed 11668611 (cited by Women's Health and Genetics/Laboratory Corporation of America, LabCorp); PubMed 18254660 (cited by Women's Health and Genetics/Laboratory Corporation of America, LabCorp).

NM_000199.5(SGSH):c.391G>A (p.Val131Met)

Gene: SGSH (N-sulfoglucosamine sulfohydrolase; minus strand). Cytogenetic location: 17q25.3.
Variant type: single nucleotide variant.
Coding change: c.391G>A on transcript NM_000199.5 (MANE Select); coding-DNA position 391, G replaced by A.
Protein change: p.Val131Met; replaces valine 131 with methionine.
Molecular consequence: missense variant. On other transcripts: non-coding transcript variant (1).
Genome position (GRCh38, 1-based): chr17:80,214,730, C>T on the plus strand (G>A on the coding strand, the complement: SGSH is on the minus strand). VCF-style: chr17-80214730-C-T. GRCh37 (hg19) VCF-style: chr17-78188529-C-T.
Other names: c.391G>A, p.Val131Met (NM_001352921.3, NM_001352922.2); short protein forms V131M.
Identifiers: ClinVar variation 1372507 (VCV001372507.8), dbSNP rs370636303, ClinGen allele CA8818031.